The following continues an entry in ClinVar:

NM_001303256.3(MORC2):c.754C>T (p.Arg252Trp)

Gene: MORC2. ClinVar aggregate classification (germline): Pathogenic/Likely pathogenic. Pathogenic (16); Likely pathogenic (2).

Submissions 13 to 22 of 22:

Laboratório de Neurologia Aplicada e Experimental, Faculdade de Medicina de Ribeirao Preto – Universidade de Sao Paulo
Classification: Pathogenic for Charcot-Marie-Tooth disease axonal type 2Z. Last evaluated: 2021-07-20. Review status: criteria provided, single submitter. Criteria: ACMG Guidelines, 2015. Collection method: research. Allele origin: germline. Inheritance: Autosomal dominant inheritance. Affected: yes. Observed: 2 variant alleles, 2 heterozygotes.
Comment: The p.Arg252Trp variant in the MORC2 gene has been reported in several families with Charcot-Marie-Tooth disease, type 2Z (AD-CMT2Z; OMIM: 616688). This variant is considered a hotspot, and most patients are sporadic cases (PMID: 30624633). This variant is also known as p.Arg190Trp in the literature. This variant is not present in population databases (GnomAD and ABraOM). ClinVar classifies this variant as Pathogenic (Variation ID: 218307), 2 stars (multiple consistent, 9 submissions), backed by functional studies (requires user validation) mentioned in 30624633, and also citing 10 articles (29440755, 28771897, 28581500, 27105987, 27105897 and 5 more). These amino acids are located in an important and highly conserved functional domain of the protein (GHKL-type ATPase). In summary, the p.Arg252Trp meets our criteria to be classified as pathogenic.

Mendelics
Classification: Pathogenic for Charcot-Marie-Tooth disease axonal type 2Z. Last evaluated: 2019-05-28. Review status: criteria provided, single submitter. Criteria: Mendelics Assertion Criteria 2017. Collection method: clinical testing. Allele origin: unknown.

CeGaT Center for Human Genetics Tuebingen
Classification: Pathogenic. Last evaluated: 2017-04-01. Review status: criteria provided, single submitter. Criteria: CeGaT Center For Human Genetics Tuebingen Variant Classification Criteria Version 2. Collection method: clinical testing. Allele origin: germline. Affected: yes. Observed: 1 variant allele.

Ambry Genetics
Classification: Pathogenic for Inborn genetic diseases. Last evaluated: 2017-03-10. Review status: criteria provided, single submitter. Criteria: Ambry exome assertion method (8-5-2015). Collection method: clinical testing. Allele origin: germline. Affected: yes. Observed: 2 variant alleles.

Clinical Genetics Service, Universitary Hospital 12 de Octubre
Classification: Pathogenic for Charcot-Marie-Tooth disease axonal type 2Z. Review status: criteria provided, single submitter. Criteria: ACMG Guidelines, 2015. Collection method: clinical testing. Allele origin: germline. Affected: yes.

Laboratory of Functional Genomics, Research Centre for Medical Genetics
Classification: Pathogenic for Charcot-Marie-Tooth disease axonal type 2Z. Review status: criteria provided, single submitter. Criteria: ACMG Guidelines, 2015. Collection method: clinical testing, in vivo. Allele origin: unknown, not applicable. Affected: yes. Observed: 1 heterozygote.
Comment: Segregation analysis was not performed. This variant is absent in population databases. Additionally, it was described in other groups of patients with Charcot–Marie–Tooth disease (doi: 10.1093/brain/awv411, doi: 10.1093/brain/awv311). For functional characterization of the variant a vector, expressing MORC2 fused with Flag tag at C-terminal end, was created. Transfection of the plasmid into HEK293T cells followed by Western blotting revealed slight reduction of MORC2 protein quantity compared to wt vector. In summary, c.754C>T variant meets criteria to be classified as pathogenic.

Genesis Genome Database
Classification: Uncertain significance for Charcot-Marie-Tooth disease. Last evaluated: 2019-08-14. Review status: no assertion criteria provided. Collection method: research. Allele origin: germline. Affected: yes. Not counted in ClinVar's aggregate classification.

Genesis Genome Database
Classification: Uncertain significance for Distal spinal muscular atrophy. Last evaluated: 2019-08-14. Review status: no assertion criteria provided. Collection method: research. Allele origin: germline. Affected: yes. Not counted in ClinVar's aggregate classification.

OMIM
Classification: Pathogenic for CHARCOT-MARIE-TOOTH DISEASE, AXONAL, TYPE 2Z. Last evaluated: 2015-10-24. Review status: no assertion criteria provided. Collection method: literature only. Allele origin: germline. Not counted in ClinVar's aggregate classification.

Genomics England Pilot Project, Genomics England
Classification: Likely pathogenic for Charcot-Marie-Tooth disease axonal type 2Z. Review status: no assertion criteria provided. Criteria: ACGS Guidelines, 2016. Collection method: clinical testing. Allele origin: germline. Affected: yes. Not counted in ClinVar's aggregate classification.

Literature cited by the submitters: PubMed 26912637 (cited by 3 submitters); PubMed 26659848 (cited by 6 submitters); PubMed 26497905 (cited by 5 submitters); PubMed 27105987 (cited by 3 submitters); PubMed 34059105 (cited by Clinical Biomedical Laboratory, Shriners Hospital For Children - Canada and Mayo Clinic Laboratories, Mayo Clinic); PubMed 30624633 (cited by 4 submitters); PubMed 34189813 (cited by Mayo Clinic Laboratories, Mayo Clinic); PubMed 34255403 (cited by Mayo Clinic Laboratories, Mayo Clinic); PubMed 35904125 (cited by Mayo Clinic Laboratories, Mayo Clinic); PubMed 37712079 (cited by Mayo Clinic Laboratories, Mayo Clinic and Clinical Omics and Informatics (COIN) Unit, Neuroscience Institute, University Of Cape Town); PubMed 38227798 (cited by Mayo Clinic Laboratories, Mayo Clinic); PubMed 38375759 (cited by Mayo Clinic Laboratories, Mayo Clinic); PubMed 29440755 (cited by 3 submitters); PubMed 28581500 (cited by 4 submitters); PubMed 28771897 (cited by 3 submitters); PubMed 27105897 (cited by 3 submitters); PubMed 7964809 (cited by Laboratório de Neurologia Aplicada e Experimental, Faculdade de Medicina de Ribeirao Preto – Universidade de Sao Paulo and OMIM); PubMed 12601114 (cited by OMIM).